The following is an entry in ClinVar:

ClinVar aggregate classification (germline): Uncertain significance. Review status: criteria provided, multiple submitters, no conflicts (2 of 4 stars). 2 submissions from 2 submitters: Uncertain significance (2). Last evaluated 2024-09-18.

Conditions:
Inborn genetic diseases. Identifiers: MedGen C0950123, MeSH D030342.

Allele frequency attached by ClinVar (database versions not stated): TOPMed 0.00001; gnomAD 0.00002; gnomAD exomes 0.00002.
gnomAD v4.1: 30 of 1,608,324 alleles (0.0019%); highest among the groups gnomAD compares: African/African-American, 0.0054%; no homozygotes.

Submissions (2):

Ambry Genetics
Classification: Uncertain significance for Inborn genetic diseases. Last evaluated: 2024-09-18. Review status: criteria provided, single submitter. Criteria: Ambry Variant Classification Scheme 2023. Collection method: clinical testing. Allele origin: germline.

Labcorp Genetics (formerly Invitae), Labcorp
Classification: Uncertain significance. Last evaluated: 2023-07-10. Review status: criteria provided, single submitter. Criteria: Invitae Variant Classification Sherloc (09022015). Collection method: clinical testing. Allele origin: germline.
Comment: This variant is present in population databases (no rsID available, gnomAD 0.008%). This sequence change replaces threonine, which is neutral and polar, with isoleucine, which is neutral and non-polar, at codon 835 of the GUCY2C protein (p.Thr835Ile). This variant has not been reported in the literature in individuals affected with GUCY2C-related conditions. In summary, the available evidence is currently insufficient to determine the role of this variant in disease. Therefore, it has been classified as a Variant of Uncertain Significance. Advanced modeling of protein sequence and biophysical properties (such as structural, functional, and spatial information, amino acid conservation, physicochemical variation, residue mobility, and thermodynamic stability) performed at Invitae indicates that this missense variant is expected to disrupt GUCY2C protein function. ClinVar contains an entry for this variant (Variation ID: 1902978).

NM_004963.4(GUCY2C):c.2504C>T (p.Thr835Ile)

Gene: GUCY2C (guanylate cyclase 2C; minus strand). Cytogenetic location: 12p12.3.
Variant type: single nucleotide variant.
Coding change: c.2504C>T on transcript NM_004963.4 (MANE Select); coding-DNA position 2504, C replaced by T.
Protein change: p.Thr835Ile; replaces threonine 835 with isoleucine.
Molecular consequence: missense variant.
Genome position (GRCh38, 1-based): chr12:14,622,102, G>A on the plus strand (C>T on the coding strand, the complement: GUCY2C is on the minus strand). VCF-style: chr12-14622102-G-A. GRCh37 (hg19) VCF-style: chr12-14775036-G-A.
Other names: c.2504C>T (NM_004963.3); short protein forms T835I.
Identifiers: ClinVar variation 1902978 (VCV001902978.6), dbSNP rs1489218780, ClinGen allele CA383995193.